The following is an entry in ClinVar:

NM_001349253.2(SCN11A):c.2201A>G (p.Lys734Arg)

Gene: SCN11A (sodium voltage-gated channel alpha subunit 11; minus strand). Cytogenetic location: 3p22.2.
Variant type: single nucleotide variant.
Coding change: c.2201A>G on transcript NM_001349253.2 (MANE Select); coding-DNA position 2201, A replaced by G.
Protein change: p.Lys734Arg; replaces lysine 734 with arginine.
Molecular consequence: missense variant.
Genome position (GRCh38, 1-based): chr3:38,897,047, T>C on the plus strand (A>G on the coding strand, the complement: SCN11A is on the minus strand). VCF-style: chr3-38897047-T-C. GRCh37 (hg19) VCF-style: chr3-38938538-T-C.
Other names: c.2201A>G, p.Lys734Arg (NM_014139.3); short protein forms K734R.
Identifiers: ClinVar variation 474700 (VCV000474700.12), dbSNP rs200211620, ClinGen allele CA2322112.

ClinVar aggregate classification (germline): Benign. Review status: criteria provided, multiple submitters, no conflicts (2 of 4 stars). 2 submissions from 2 submitters: Benign (2). Last evaluated 2026-01-25.

Conditions:
SCN11A-related disorder. Also called: SCN11A-related condition.
Hereditary sensory and autonomic neuropathy type 7. Also called: HSAN VII; Neuropathy, hereditary sensory and autonomic, type VII. Identifiers: Orphanet 391397, MedGen C3809882, MONDO:0014244, OMIM 615548.
Familial episodic pain syndrome with predominantly lower limb involvement. Also called: Episodic pain syndrome, familial, 3. Identifiers: Orphanet 391384, Orphanet 391392, MedGen C3809899, MONDO:0014247, OMIM 615552.

Allele frequency attached by ClinVar (database versions not stated): gnomAD 0.00001 and 0.00044; TOPMed 0.00009; gnomAD exomes 0.00082 and 0.00164; ExAC 0.00185; 1000 Genomes Project 0.00300; 1000 Genomes Project 30x 0.00312.

Submissions (2):

Labcorp Genetics (formerly Invitae), Labcorp
Classification: Benign for Familial episodic pain syndrome with predominantly lower limb involvement; Hereditary sensory and autonomic neuropathy type 7. Last evaluated: 2026-01-25. Review status: criteria provided, single submitter. Criteria: Invitae Variant Classification Sherloc (09022015). Collection method: clinical testing. Allele origin: germline.

PreventionGenetics, part of Exact Sciences
Classification: Benign for SCN11A-related condition. Last evaluated: 2025-07-02. Review status: criteria provided, single submitter. Criteria: ACMG Guidelines, 2015. Collection method: clinical testing. Allele origin: germline.
Comment: This variant is classified as benign based on ACMG/AMP sequence variant interpretation guidelines (Richards et al. 2015 PMID: 25741868, with internal and published modifications).